The following is an entry in ClinVar:

ClinVar aggregate classification (germline): Uncertain significance. Review status: criteria provided, multiple submitters, no conflicts (2 of 4 stars). 2 submissions from 2 submitters: Uncertain significance (2). Last evaluated 2023-03-07.

Conditions:
Neurofibromatosis, type 1 (NF1). Also called: Peripheral type neurofibromatosis; VON RECKLINGHAUSEN DISEASE; NEUROFIBROMATOSIS, TYPE I, SOMATIC; Neurofibromatosis, type I. Identifiers: Orphanet 636, MedGen C0027831, MONDO:0018975, OMIM 162200. Disease mechanism: loss of function.

Submissions (2):

Labcorp Genetics (formerly Invitae), Labcorp
Classification: Uncertain significance for Neurofibromatosis, type 1. Last evaluated: 2023-03-07. Review status: criteria provided, single submitter. Criteria: Invitae Variant Classification Sherloc (09022015). Collection method: clinical testing. Allele origin: germline.
Comment: In summary, the available evidence is currently insufficient to determine the role of this variant in disease. Therefore, it has been classified as a Variant of Uncertain Significance. Advanced modeling of protein sequence and biophysical properties (such as structural, functional, and spatial information, amino acid conservation, physicochemical variation, residue mobility, and thermodynamic stability) performed at Invitae indicates that this missense variant is expected to disrupt NF1 protein function. ClinVar contains an entry for this variant (Variation ID: 957418). This variant has not been reported in the literature in individuals affected with NF1-related conditions. This variant is not present in population databases (gnomAD no frequency). This sequence change replaces proline, which is neutral and non-polar, with leucine, which is neutral and non-polar, at codon 22 of the NF1 protein (p.Pro22Leu).

GeneDx
Classification: Uncertain significance. Last evaluated: 2023-01-17. Review status: criteria provided, single submitter. Criteria: GeneDx Variant Classification Process June 2021. Collection method: clinical testing. Allele origin: germline. Affected: yes.
Comment: Not observed at significant frequency in large population cohorts (gnomAD); In silico analysis supports that this missense variant has a deleterious effect on protein structure/function; Has not been previously published as pathogenic or benign to our knowledge

NM_001042492.3(NF1):c.65C>T (p.Pro22Leu)

Gene: NF1 (neurofibromin 1; plus strand). Cytogenetic location: 17q11.2.
Variant type: single nucleotide variant.
Coding change: c.65C>T on transcript NM_001042492.3 (MANE Select); coding-DNA position 65, C replaced by T.
Protein change: p.Pro22Leu; replaces proline 22 with leucine.
Molecular consequence: missense variant.
Genome position (GRCh38, 1-based): chr17:31,155,987, C>T. VCF-style: chr17-31155987-C-T. GRCh37 (hg19) VCF-style: chr17-29483005-C-T.
Other names: c.65C>T, p.Pro22Leu (NM_000267.4, NM_001128147.3); short protein forms P22L.
Identifiers: ClinVar variation 957418 (VCV000957418.7), dbSNP rs2065654347, ClinGen allele CA398988047.